The following is an entry in ClinVar:

NM_001384140.1(PCDH15):c.4096A>G (p.Arg1366Gly)

Gene: PCDH15 (protocadherin related 15; minus strand). Cytogenetic location: 10q21.1.
Variant type: single nucleotide variant.
Coding change: c.4096A>G on transcript NM_001384140.1 (MANE Select); coding-DNA position 4096, A replaced by G.
Protein change: p.Arg1366Gly; replaces arginine 1366 with glycine.
Molecular consequence: missense variant.
Genome position (GRCh38, 1-based): chr10:53,831,421, T>C on the plus strand (A>G on the coding strand, the complement: PCDH15 is on the minus strand). VCF-style: chr10-53831421-T-C. GRCh37 (hg19) VCF-style: chr10-55591181-T-C.
Other names: c.4111A>G, p.Arg1371Gly (NM_001142763.2, NM_001142771.2); c.4096A>G, p.Arg1366Gly (NM_001142764.2, NM_001142766.2, NM_001142770.3 and 4 more transcripts); c.3883A>G, p.Arg1295Gly (NM_001142765.2); c.3985A>G, p.Arg1329Gly (NM_001142767.2); c.4030A>G, p.Arg1344Gly (NM_001142768.2, NM_001142773.2, NM_001354404.2); c.4132A>G, p.Arg1378Gly (NM_001142769.4); c.4117A>G, p.Arg1373Gly (NM_001354411.2); short protein forms R1378G, R1295G, R1371G, R1329G, R1344G, R1373G, R1366G.
Identifiers: ClinVar variation 1392790 (VCV001392790.3), dbSNP rs745985513, ClinGen allele CA5505469.
Genomic context (GRCh38, chr10:53,831,421, plus strand): 5'-GGATGATGATGAAGGCCAGAGCCAACAAGGCCCCTTCTGTGTATCCTAGACTTTCTCCTC[T>C]CTTTTTAATGCTGGTCACTGCCTCTGGAGTCCGGATCTCCAGAATGCGTCCTCCTTCCCC-3'
Protein context (NP_001371069.1, residues 1356-1376): TPEAVTSIKK[Arg1366Gly]GESLGYTEGA

ClinVar aggregate classification (germline): Uncertain significance (1 of 4 stars; one submission).

Allele frequency attached by ClinVar (database versions not stated): gnomAD exomes below 0.00001 and 0.00001; ExAC 0.00001.
gnomAD v4.1: 1 of 1,614,134 alleles (0.000062%); highest among the groups gnomAD compares: South Asian, 0.0011%; no homozygotes.

Submission:

Labcorp Genetics (formerly Invitae), Labcorp
Classification: Uncertain significance. Last evaluated: 2022-03-02. Review status: criteria provided, single submitter. Criteria: Invitae Variant Classification Sherloc (09022015). Collection method: clinical testing. Allele origin: germline.
Comment: This sequence change replaces arginine, which is basic and polar, with glycine, which is neutral and non-polar, at codon 1366 of the PCDH15 protein (p.Arg1366Gly). This variant is present in population databases (rs745985513, gnomAD 0.003%). This variant has not been reported in the literature in individuals affected with PCDH15-related conditions. Algorithms developed to predict the effect of missense changes on protein structure and function (SIFT, PolyPhen-2, Align-GVGD) all suggest that this variant is likely to be tolerated. In summary, the available evidence is currently insufficient to determine the role of this variant in disease. Therefore, it has been classified as a Variant of Uncertain Significance.